The following is an entry in ClinVar:

NM_005732.4(RAD50):c.3773A>G (p.Gln1258Arg)

Genes: TH2LCRR (T helper type 2 locus control region associated RNA; minus strand), RAD50 (RAD50 double strand break repair protein; plus strand). Cytogenetic location: 5q31.1.
Variant type: single nucleotide variant.
Coding change: c.3773A>G on transcript NM_005732.4 (MANE Select); coding-DNA position 3773, A replaced by G.
Protein change: p.Gln1258Arg; replaces glutamine 1258 with arginine.
Molecular consequence: missense variant. On other transcripts: non-coding transcript variant (1).
Genome position (GRCh38, 1-based): chr5:132,642,198, A>G. VCF-style: chr5-132642198-A-G. GRCh37 (hg19) VCF-style: chr5-131977890-A-G.
Other names: short protein forms Q1258R.
Identifiers: ClinVar variation 948117 (VCV000948117.11), dbSNP rs1751737904, ClinGen allele CA360935669.

ClinVar aggregate classification (germline): Uncertain significance. Review status: criteria provided, multiple submitters, no conflicts (2 of 4 stars). 2 submissions from 2 submitters: Uncertain significance (2). Last evaluated 2025-04-04.

Conditions:
Hereditary cancer-predisposing syndrome. Also called: Hereditary neoplastic syndrome; Neoplastic Syndromes, Hereditary; Tumor predisposition; Hereditary Cancer Syndrome. Identifiers: Orphanet 140162, MedGen C0027672, MeSH D009386, MONDO:0015356.

Submissions (2):

Ambry Genetics
Classification: Uncertain significance for Hereditary cancer-predisposing syndrome. Last evaluated: 2025-04-04. Review status: criteria provided, single submitter. Criteria: Ambry Variant Classification Scheme 2023. Collection method: clinical testing. Allele origin: germline.
Comment: The p.Q1258R variant (also known as c.3773A>G), located in coding exon 25 of the RAD50 gene, results from an A to G substitution at nucleotide position 3773. The glutamine at codon 1258 is replaced by arginine, an amino acid with highly similar properties. This amino acid position is conserved. In addition, this alteration is predicted to be tolerated by in silico analysis. Based on the available evidence, the clinical significance of this variant remains unclear.

Labcorp Genetics (formerly Invitae), Labcorp
Classification: Uncertain significance for Hereditary cancer-predisposing syndrome. Last evaluated: 2019-06-26. Review status: criteria provided, single submitter. Criteria: Invitae Variant Classification Sherloc (09022015). Collection method: clinical testing. Allele origin: germline.
Comment: This sequence change replaces glutamine with arginine at codon 1258 of the RAD50 protein (p.Gln1258Arg). The glutamine residue is weakly conserved and there is a small physicochemical difference between glutamine and arginine. This variant is not present in population databases (ExAC no frequency). This variant has not been reported in the literature in individuals with RAD50-related conditions. Algorithms developed to predict the effect of missense changes on protein structure and function (SIFT, PolyPhen-2, Align-GVGD) all suggest that this variant is likely to be tolerated, but these predictions have not been confirmed by published functional studies and their clinical significance is uncertain. In summary, the available evidence is currently insufficient to determine the role of this variant in disease. Therefore, it has been classified as a Variant of Uncertain Significance.